The following is an entry in ClinVar:

NM_014975.3(MAST1):c.4326_4328del (p.Pro1443del)

Gene: MAST1 (microtubule associated serine/threonine kinase 1; plus strand). Cytogenetic location: 19p13.13.
Variant type: Deletion.
Coding change: c.4326_4328del on transcript NM_014975.3 (MANE Select); coding-DNA positions 4326 to 4328, 3 bases deleted (GCC; older notation c.4326_4328delGCC).
Protein change: p.Pro1443del; deletes proline 1443.
Molecular consequence: inframe deletion.
Genome position (GRCh38, 1-based): chr19:12,874,483-12,874,485, GCC deleted. VCF-style (leftmost placement, unchanged base first): chr19-12874482-GGCC-G. GRCh37 (hg19) VCF-style: chr19-12985296-GGCC-G.
Other names: short protein forms P1443del.
Identifiers: ClinVar variation 2046630 (VCV002046630.4), dbSNP rs1368621053, ClinGen allele CA632121396.

ClinVar aggregate classification (germline): Uncertain significance (1 of 4 stars; one submission).

Allele frequency attached by ClinVar (database versions not stated): gnomAD exomes below 0.00001; gnomAD 0.00001; TOPMed 0.00001.

Submission:

Labcorp Genetics (formerly Invitae), Labcorp
Classification: Uncertain significance. Last evaluated: 2024-02-29. Review status: criteria provided, single submitter. Criteria: Invitae Variant Classification Sherloc (09022015). Collection method: clinical testing. Allele origin: germline.
Comment: This variant, c.4326_4328del, results in the deletion of 1 amino acid(s) of the MAST1 protein (p.Pro1443del), but otherwise preserves the integrity of the reading frame. This variant is present in population databases (no rsID available, gnomAD 0.007%). This variant has not been reported in the literature in individuals affected with MAST1-related conditions. ClinVar contains an entry for this variant (Variation ID: 2046630). Experimental studies and prediction algorithms are not available or were not evaluated, and the functional significance of this variant is currently unknown. In summary, the available evidence is currently insufficient to determine the role of this variant in disease. Therefore, it has been classified as a Variant of Uncertain Significance.